The following is an entry in ClinVar:

ClinVar aggregate classification (germline): Uncertain significance (1 of 4 stars; one submission).

Allele frequency attached by ClinVar (database versions not stated): gnomAD exomes below 0.00001.
gnomAD v4.1: 1 of 1,568,288 alleles (0.000064%); highest among the groups gnomAD compares: South Asian, 0.0012%; no homozygotes.

Submission:

Labcorp Genetics (formerly Invitae), Labcorp
Classification: Uncertain significance. Last evaluated: 2025-10-13. Review status: criteria provided, single submitter. Criteria: Invitae Variant Classification Sherloc (09022015). Collection method: clinical testing. Allele origin: germline.
Comment: This sequence change replaces serine, which is neutral and polar, with glycine, which is neutral and non-polar, at codon 437 of the TNNI3K protein (p.Ser437Gly). This variant is not present in population databases (gnomAD no frequency). This variant has not been reported in the literature in individuals affected with TNNI3K-related conditions. ClinVar contains an entry for this variant (Variation ID: 1472701). Invitae Evidence Modeling of protein sequence and biophysical properties (such as structural, functional, and spatial information, amino acid conservation, physicochemical variation, residue mobility, and thermodynamic stability) indicates that this missense variant is not expected to disrupt TNNI3K protein function with a negative predictive value of 80%. In summary, the available evidence is currently insufficient to determine the role of this variant in disease. Therefore, it has been classified as a Variant of Uncertain Significance.

NM_015978.3(TNNI3K):c.1309A>G (p.Ser437Gly)

Genes: FPGT-TNNI3K (FPGT-TNNI3K readthrough; plus strand), TNNI3K (TNNI3 interacting kinase; plus strand). Cytogenetic location: 1p31.1.
Variant type: single nucleotide variant.
Coding change: c.1309A>G on transcript NM_015978.3 (MANE Select); coding-DNA position 1309, A replaced by G.
Protein change: p.Ser437Gly; replaces serine 437 with glycine.
Molecular consequence: missense variant.
Genome position (GRCh38, 1-based): chr1:74,367,952, A>G. VCF-style: chr1-74367952-A-G. GRCh37 (hg19) VCF-style: chr1-74833636-A-G.
Other names: c.1612A>G, p.Ser538Gly (NM_001112808.3, NM_001199327.2); short protein forms S437G, S538G.
Identifiers: ClinVar variation 1472701 (VCV001472701.8), dbSNP rs2100516564, ClinGen allele CA340785667.
Genomic context (GRCh38, chr1:74,367,952, plus strand): 5'-ATAATTTAATTTCTAGATGGCTCCTATGTGTCTGTTCCATCACCCTTGGGGAAGATTAAA[A>G]GCATGACAAAAGGTACCTATAATCTGGGACAATTGTTATATTTAATTACTAAGGATAACT-3'
Protein context (NP_057062.1, residues 427-447): SVPSPLGKIK[Ser437Gly]MTKEKADILL